The following is an entry in ClinVar:

NM_022765.4(MICAL1):c.2912T>A (p.Val971Glu)

Gene: MICAL1 (microtubule associated monooxygenase, calponin and LIM domain containing 1; minus strand). Cytogenetic location: 6q21.
Variant type: single nucleotide variant.
Coding change: c.2912T>A on transcript NM_022765.4 (MANE Select); coding-DNA position 2912, T replaced by A.
Protein change: p.Val971Glu; replaces valine 971 with glutamic acid.
Molecular consequence: missense variant.
Genome position (GRCh38, 1-based): chr6:109,444,965, A>T on the plus strand (T>A on the coding strand, the complement: MICAL1 is on the minus strand). VCF-style: chr6-109444965-A-T. GRCh37 (hg19) VCF-style: chr6-109766168-A-T.
Other names: c.2654T>A, p.Val885Glu (NM_001159291.2); c.2969T>A, p.Val990Glu (NM_001286613.2); short protein forms V990E, V885E, V971E.
Identifiers: ClinVar variation 3647338 (VCV003647338.2).
Genomic context (GRCh38, chr6:109,444,965, plus strand): 5'-AGCTCGGCCTCCTCAGCCACCAGGCTGTTTTTCTTGTCAACGAGCTGTAGCAGCTGTCCT[A>T]CCCATAGTTTCTTTTGCTGTTCTGGGGAACCTGAGAAGAAGGAAGATGGGTAGGGTGATC-3'
Protein context (NP_073602.3, residues 961-981): SSPEQQKKLW[Val971Glu]GQLLQLVDKK

ClinVar aggregate classification (germline): Uncertain significance (1 of 4 stars; one submission).

Submission:

Labcorp Genetics (formerly Invitae), Labcorp
Classification: Uncertain significance. Last evaluated: 2024-03-23. Review status: criteria provided, single submitter. Criteria: Invitae Variant Classification Sherloc (09022015). Collection method: clinical testing. Allele origin: germline.
Comment: This sequence change replaces valine, which is neutral and non-polar, with glutamic acid, which is acidic and polar, at codon 990 of the MICAL1 protein (p.Val990Glu). This variant is not present in population databases (gnomAD no frequency). This variant has not been reported in the literature in individuals affected with MICAL1-related conditions. An algorithm developed to predict the effect of missense changes on protein structure and function (PolyPhen-2) suggests that this variant is likely to be tolerated. In summary, the available evidence is currently insufficient to determine the role of this variant in disease. Therefore, it has been classified as a Variant of Uncertain Significance.